The following is an entry in ClinVar:

ClinVar aggregate classification (germline): Uncertain significance. Review status: criteria provided, multiple submitters, no conflicts (2 of 4 stars). 3 submissions from 3 submitters: Uncertain significance (3). Last evaluated 2021-09-17.

Conditions:
Neuromuscular disease caused by qualitative or quantitative defects of dysferlin. Also called: Qualitative or quantitative defects of dysferlin; Dysferlinopathy. Identifiers: Orphanet 207073, MedGen C2931687, MONDO:0016145.

Allele frequency attached by ClinVar (database versions not stated): ExAC 0.00001; gnomAD 0.00001; gnomAD exomes 0.00002; TOPMed 0.00002.
gnomAD v4.1: 20 of 1,592,086 alleles (0.0013%); highest among the groups gnomAD compares: Admixed American, 0.0017%; no homozygotes.

Submissions (3):

Labcorp Genetics (formerly Invitae), Labcorp
Classification: Uncertain significance for Neuromuscular disease caused by qualitative or quantitative defects of dysferlin. Last evaluated: 2021-09-17. Review status: criteria provided, single submitter. Criteria: Invitae Variant Classification Sherloc (09022015). Collection method: clinical testing. Allele origin: germline.
Comment: This sequence change replaces proline with leucine at codon 392 of the DYSF protein (p.Pro392Leu). The proline residue is moderately conserved and there is a moderate physicochemical difference between proline and leucine. This variant is present in population databases (rs767800266, ExAC 0.002%). This variant has not been reported in the literature in individuals with DYSF-related conditions. ClinVar contains an entry for this variant (Variation ID: 290096). Algorithms developed to predict the effect of missense changes on protein structure and function are either unavailable or do not agree on the potential impact of this missense change (SIFT: "Deleterious"; PolyPhen-2: "Probably Damaging"; Align-GVGD: "Class C0"). In summary, the available evidence is currently insufficient to determine the role of this variant in disease. Therefore, it has been classified as a Variant of Uncertain Significance.

Revvity Omics, Revvity
Classification: Uncertain significance. Last evaluated: 2019-10-08. Review status: criteria provided, single submitter. Criteria: ACMG Guidelines, 2015. Collection method: clinical testing. Allele origin: germline.

Eurofins Ntd Llc (ga)
Classification: Uncertain significance. Last evaluated: 2016-08-23. Review status: criteria provided, single submitter. Criteria: EGL Classification Definitions 2015. Collection method: clinical testing. Allele origin: germline. Observed: 1 variant allele, 1 heterozygote.

NM_001130987.2(DYSF):c.1271C>T (p.Pro424Leu)

Gene: DYSF (dysferlin; plus strand). Cytogenetic location: 2p13.2.
Variant type: single nucleotide variant.
Coding change: c.1271C>T on transcript NM_001130987.2 (MANE Select); coding-DNA position 1271, C replaced by T.
Protein change: p.Pro424Leu; replaces proline 424 with leucine.
Molecular consequence: missense variant.
Genome position (GRCh38, 1-based): chr2:71,526,341, C>T. VCF-style: chr2-71526341-C-T. GRCh37 (hg19) VCF-style: chr2-71753471-C-T.
Other names: c.1175C>T (NM_003494.3); c.1178C>T, p.Pro393Leu (NM_001130455.2, NM_001130983.2, NM_001130984.2 and 1 more transcripts); c.1175C>T, p.Pro392Leu (NM_001130976.2, NM_001130977.2, NM_001130978.2 and 1 more transcripts); c.1268C>T, p.Pro423Leu (NM_001130979.2, NM_001130980.2, NM_001130981.2); c.1271C>T, p.Pro424Leu (NM_001130982.2, NM_001130985.2); short protein forms P392L, P424L, P393L, P423L.
Identifiers: ClinVar variation 290096 (VCV000290096.9), dbSNP rs767800266, ClinGen allele CA1705668.